The following is an entry in ClinVar:

NM_001372.4(DNAH9):c.6104C>T (p.Ser2035Phe)

Gene: DNAH9 (dynein axonemal heavy chain 9; plus strand). Cytogenetic location: 17p12.
Variant type: single nucleotide variant.
Coding change: c.6104C>T on transcript NM_001372.4 (MANE Select); coding-DNA position 6104, C replaced by T.
Protein change: p.Ser2035Phe; replaces serine 2035 with phenylalanine.
Molecular consequence: missense variant.
Genome position (GRCh38, 1-based): chr17:11,742,306, C>T. VCF-style: chr17-11742306-C-T. GRCh37 (hg19) VCF-style: chr17-11645623-C-T.
Other names: short protein forms S2035F.
Identifiers: ClinVar variation 4755419 (VCV004755419.1).

ClinVar aggregate classification (germline): Uncertain significance (1 of 4 stars; one submission).

Conditions:
Ciliary dyskinesia, primary, 40. Also called: CILIARY DYSKINESIA, PRIMARY, 40, WITH OR WITHOUT SITUS INVERSUS. Identifiers: MedGen C4749028, MONDO:0032664, OMIM 618300.

gnomAD v4.1: 37 of 1,613,982 alleles (0.0023%); highest among the groups gnomAD compares: Non-Finnish European, 0.003%; no homozygotes.

Submission:

Genetics and Molecular Pathology, SA Pathology
Classification: Uncertain significance for Ciliary dyskinesia, primary, 40. Last evaluated: 2023-02-20. Review status: criteria provided, single submitter. Criteria: ACMG Guidelines, 2015. Collection method: clinical testing. Allele origin: germline. Inheritance: Autosomal recessive inheritance. Affected: yes.
Comment: The DNAH9 c.6104C>T variant is classified as a VARIANT OF UNCERTAIN SIGNIFICANCE (PM2, PM3) The DNAH9 c.6104C>T variant is a single nucleotide change in exon 30/69 of the DNAH9 gene, which is predicted to change the amino acid serine at position 2035 in the protein to phenylalanine. The variant is rare in population databases (gnomAD allele frequency = 0.0019%; 3 het and 0 hom in 152144 sequenced alleles; highest frequency = 0.0029%, Non-Finnish European population) (PM2). This variant has been detected in trans with a pathogenic variant c.308dup; p.(Leu104Profs*45) for this recessive condition (PM3). Computational predictions for the effect of this variant are conflicting (PP3 not met). The variant has been reported in dbSNP (rs747320293). It has not been reported in ClinVar or HGMD.